The following is an entry in ClinVar:

NM_006031.6(PCNT):c.3157G>A (p.Val1053Met)

Gene: PCNT (pericentrin; plus strand). Cytogenetic location: 21q22.3.
Variant type: single nucleotide variant.
Coding change: c.3157G>A on transcript NM_006031.6 (MANE Select); coding-DNA position 3157, G replaced by A.
Protein change: p.Val1053Met; replaces valine 1053 with methionine.
Molecular consequence: missense variant.
Genome position (GRCh38, 1-based): chr21:46,367,131, G>A. VCF-style: chr21-46367131-G-A. GRCh37 (hg19) VCF-style: chr21-47787046-G-A.
Other names: c.2803G>A, p.Val935Met (NM_001315529.2); short protein forms V1053M, V935M.
Identifiers: ClinVar variation 1515073 (VCV001515073.6), dbSNP rs2146927861, ClinGen allele CA410570666.
Genomic context (GRCh38, chr21:46,367,131, plus strand): 5'-CACCTGCGAACCGAAGTGAGCACAGAGCTCGCCGGAACCGTGGCTCACGAGCTGCAGGGA[G>A]TGCACCAGGTAAGGCGCCAGGGCCCTGCCCCAGCCCAGGGCAGGCCTCTCCTCGCTGCCT-3'
Protein context (NP_006022.3, residues 1043-1063): AGTVAHELQG[Val1053Met]HQGEFGSEKK

ClinVar aggregate classification (germline): Uncertain significance (1 of 4 stars; one submission).

Submission:

Labcorp Genetics (formerly Invitae), Labcorp
Classification: Uncertain significance. Last evaluated: 2022-09-12. Review status: criteria provided, single submitter. Criteria: Invitae Variant Classification Sherloc (09022015). Collection method: clinical testing. Allele origin: germline.
Comment: In summary, the available evidence is currently insufficient to determine the role of this variant in disease. Therefore, it has been classified as a Variant of Uncertain Significance. Algorithms developed to predict the effect of missense changes on protein structure and function are either unavailable or do not agree on the potential impact of this missense change (SIFT: "Deleterious"; PolyPhen-2: "Benign"; Align-GVGD: "Class C0"). ClinVar contains an entry for this variant (Variation ID: 1515073). This variant has not been reported in the literature in individuals affected with PCNT-related conditions. This variant is not present in population databases (gnomAD no frequency). This sequence change replaces valine, which is neutral and non-polar, with methionine, which is neutral and non-polar, at codon 1053 of the PCNT protein (p.Val1053Met).